The following is an entry in ClinVar:

ClinVar aggregate classification (germline): Pathogenic (1 of 4 stars; one submission).

Conditions:
Asphyxiating thoracic dystrophy 3. Also called: SHORT-RIB THORACIC DYSPLASIA 3 WITH OR WITHOUT POLYDACTYLY; POLYDACTYLY WITH NEONATAL CHONDRODYSTROPHY, TYPE I; SHORT-RIB THORACIC DYSPLASIA 3/6 WITH POLYDACTYLY, DIGENIC; Short rib polydactyly syndrome 2B; Saldino-Noonan Syndrome. Identifiers: Orphanet 474, Orphanet 93269, Orphanet 93270, Orphanet 93271, MedGen C0036069, MONDO:0013127, OMIM 613091.

Submission:

Myriad Genetics, Inc.
Classification: Pathogenic for Asphyxiating thoracic dystrophy 3. Last evaluated: 2026-03-28. Review status: criteria provided, single submitter. Criteria: Myriad Autosomal Dominant, Autosomal Recessive and X-Linked Classification Criteria (2023). Collection method: clinical testing. Allele origin: unknown.
Comment: NM_001377.2(DYNC2H1):c.10789dupG(V3597Gfs*9) is expected to be pathogenic in the context of DYNC2H1-related disorders. This variant is predicted to lead to an abnormal or absent protein product due to the creation of a premature termination codon in DYNC2H1, a gene where loss-of-function variants are known to be pathogenic. Please note: this variant was assessed in the context of healthy population screening.

NM_001377.3(DYNC2H1):c.10789dup (p.Val3597fs)

Gene: DYNC2H1 (dynein cytoplasmic 2 heavy chain 1; plus strand). Cytogenetic location: 11q22.3.
Variant type: Duplication.
Coding change: c.10789dup on transcript NM_001377.3 (MANE Select); coding-DNA position 10789, one base duplicated (G; older notation c.10789dupG).
Protein change: p.Val3597fs; shifts the reading frame from valine 3597.
Molecular consequence: frameshift variant.
Genome position (GRCh38, 1-based): chr11:103,282,206, G duplicated. VCF-style (leftmost placement, unchanged base first): chr11-103282205-T-TG. GRCh37 (hg19) VCF-style: chr11-103152934-T-TG.
Other names: c.10810dup, p.Val3604fs (NM_001080463.2); short protein forms V3597fs, V3604fs.
Identifiers: ClinVar variation 5015744 (VCV005015744.1).
Genomic context (GRCh38, chr11:103,282,205, plus strand): 5'-TATATTTTTGTGTTCCTATATTTTTATTCAATAGGAATGGGATACGTTTACAGGTGTGGT[T>TG]GTTGGAGACATGTTACGGAAAGCTGTAAGTTAAAATAACAAAATCTATTTTGCTCTTAAA-3'